The following is an entry in ClinVar:

NM_001267550.2(TTN):c.53592A>G (p.Thr17864=)

Genes: TTN (titin; minus strand), TTN-AS1 (TTN antisense RNA 1; plus strand). Cytogenetic location: 2q31.2.
Variant type: single nucleotide variant.
Coding change: c.53592A>G on transcript NM_001267550.2 (MANE Select); coding-DNA position 53592, A replaced by G.
Protein change: p.Thr17864=; no amino-acid change (threonine 17864 retained).
Molecular consequence: synonymous variant.
Genome position (GRCh38, 1-based): chr2:178,605,703, T>C on the plus strand (A>G on the coding strand, the complement: TTN is on the minus strand). VCF-style: chr2-178605703-T-C. GRCh37 (hg19) VCF-style: chr2-179470430-T-C.
Other names: c.48669A>G, p.Thr16223= (NM_001256850.1); c.45888A>G, p.Thr15296= (NM_133378.4); c.26397A>G, p.Thr8799= (NM_003319.4); c.26772A>G, p.Thr8924= (NM_133432.3); c.26973A>G, p.Thr8991= (NM_133437.4).
Identifiers: ClinVar variation 47076 (VCV000047076.23), dbSNP rs397517613, ClinGen allele CA139930.
Genomic context (GRCh38, chr2:178,605,703, plus strand): 5'-TTTCCAGTCAAGTGTGATAGTGGACTTTGTCCTTTCAGTGTATGTGAGCCTCTCTGGAGA[T>C]GTTGGAGGACCTTTAGCCAGAGGCAAGTGAAAATGATTAGCATGAGATAAATATTCATGT-3'
Protein context (NP_001254479.2, residues 17854-17874): ILAVDPLGPP[Thr17864=]SPERLTYTER

ClinVar aggregate classification (germline): Likely benign. Review status: criteria provided, multiple submitters, no conflicts (2 of 4 stars). 5 submissions from 5 submitters: Likely benign (5). Last evaluated 2026-01-01.

Conditions:
Cardiovascular phenotype. Identifiers: MedGen CN230736.
Dilated cardiomyopathy 1G (CMD1G). Identifiers: Orphanet 154, MedGen C1858763, MONDO:0011400, OMIM 604145.
Autosomal recessive limb-girdle muscular dystrophy type 2J (LGMDR10). Also called: Limb-girdle muscular dystrophy, type 2J; MUSCULAR DYSTROPHY, LIMB-GIRDLE, AUTOSOMAL RECESSIVE 10. Identifiers: Orphanet 140922, MedGen C1837342, MONDO:0012127, OMIM 608807.

Allele frequency attached by ClinVar (database versions not stated): TOPMed below 0.00001; ExAC 0.00002; gnomAD exomes 0.00002 and 0.00008.
gnomAD v4.1: 104 of 1,537,480 alleles (0.0068%); highest among the groups gnomAD compares: Non-Finnish European, 0.0088%; no homozygotes.

Submissions (5):

CeGaT Center for Human Genetics Tuebingen
Classification: Likely benign. Last evaluated: 2026-01-01. Review status: criteria provided, single submitter. Criteria: CeGaT Center For Human Genetics Tuebingen Variant Classification Criteria Version 2. Collection method: clinical testing. Allele origin: germline. Affected: yes. Observed: 1 variant allele.
Comment: TTN: BP4, BP7

Labcorp Genetics (formerly Invitae), Labcorp
Classification: Likely benign for Dilated cardiomyopathy 1G; Autosomal recessive limb-girdle muscular dystrophy type 2J. Last evaluated: 2025-10-21. Review status: criteria provided, single submitter. Criteria: Invitae Variant Classification Sherloc (09022015). Collection method: clinical testing. Allele origin: germline.

Ambry Genetics
Classification: Likely benign for Cardiovascular phenotype. Last evaluated: 2021-06-02. Review status: criteria provided, single submitter. Criteria: Ambry Variant Classification Scheme 2023. Collection method: clinical testing. Allele origin: germline.

GeneDx
Classification: Likely benign. Last evaluated: 2019-12-11. Review status: criteria provided, single submitter. Criteria: GeneDx Variant Classification Process June 2021. Collection method: clinical testing. Allele origin: germline. Affected: yes.

Laboratory for Molecular Medicine, Mass General Brigham Personalized Medicine
Classification: Likely benign. Last evaluated: 2012-08-09. Review status: criteria provided, single submitter. Criteria: LMM Criteria. Collection method: clinical testing. Allele origin: germline. Observed: 1 variant allele.
Comment: Thr15296Thr in exon 228 of TTN: This variant is not expected to have clinical si gnificance because it does not alter an amino acid residue and is not located wi thin the splice consensus sequence. Thr15296Thr in exon 228 of TTN (allele fre quency = n/a)